The following is an entry in ClinVar:

ClinVar aggregate classification (germline): Pathogenic/Likely pathogenic. Review status: criteria provided, multiple submitters, no conflicts (2 of 4 stars). 6 submissions from 6 submitters: Pathogenic (3); Likely pathogenic (2). 1 of the submissions does not count toward it. Last evaluated 2026-09-10.

Conditions:
Smith-Lemli-Opitz syndrome (SLOS). Also called: LETHAL ACRODYSGENITAL SYNDROME; POLYDACTYLY, SEX REVERSAL, RENAL HYPOPLASIA, AND UNILOBAR LUNG; RSH SYNDROME; RUTLEDGE LETHAL MULTIPLE CONGENITAL ANOMALY SYNDROME; 7-Dehydrocholesterol reductase deficiency. Identifiers: Orphanet 818, MedGen C0175694, MONDO:0010035, OMIM 270400.

Allele frequency attached by ClinVar (database versions not stated): ExAC 0.00001; gnomAD 0.00001; gnomAD exomes 0.00001; TOPMed 0.00002.
gnomAD v4.1: 16 of 1,612,484 alleles (0.00099%); highest among the groups gnomAD compares: Non-Finnish European, 0.0014%; no homozygotes.

Submissions (6):

GeneDx
Classification: Pathogenic. Last evaluated: 2026-09-10. Review status: criteria provided, single submitter. Criteria: GeneDx Variant Classification Process June 2021. Collection method: clinical testing. Allele origin: germline.
Comment: Not observed at significant frequency in large population cohorts (gnomAD); In silico analysis supports that this missense variant has a deleterious effect on protein structure/function; This variant is associated with the following publications: (PMID: 22391996, 24500076, 23042628, 16983147, 21990131, 28349652)

Natera, Inc.
Classification: Likely pathogenic for Smith-Lemli-Opitz syndrome. Last evaluated: 2025-11-21. Review status: criteria provided, single submitter. Criteria: Natera Variant Classification Schema (03/2026). Collection method: clinical testing. Allele origin: germline.
Comment: The c.1396G>A variant in DHCR7 is a missense variant predicted to cause substitution of valine to methionine at amino acid 466. This variant is rare in the general population with a frequency below the threshold expected for the associated phenotype(s). This variant has been observed in one or more individuals affected with the associated recessive disease, as either homozygous or compound heterozygous with a second variant (PMID: 24500076, 16983147, 28349652). This variant has been identified in one or more affected individuals with a phenotype highly consistent with the associated gene (PMID: 28349652). Computational prediction algorithms indicate this variant is likely to affect gene or protein function. Given the available evidence, this variant is classified as Likely Pathogenic.

Women's Health and Genetics/Laboratory Corporation of America, LabCorp
Classification: Pathogenic for Smith-Lemli-Opitz syndrome. Last evaluated: 2025-09-16. Review status: criteria provided, single submitter. Criteria: LabCorp Variant Classification Summary - May 2015. Collection method: clinical testing. Allele origin: germline.
Comment: Variant summary: DHCR7 c.1396G>A (p.Val466Met) results in a conservative amino acid change in the encoded protein sequence. Algorithms developed to predict the effect of missense changes on protein structure and function are either unavailable or do not agree on the potential impact of this missense change. The variant allele was found at a frequency of 1.2e-05 in 247042 control chromosomes. c.1396G>A has been reported in the literature as presumably biallelic compound heterozygous genotypes in individuals affected with Smith-Lemli-Opitz Syndrome (example, Bianconi_2011, Roullet_2012, Sparks_2014, Ergolu_2017, internal data). These data indicate that the variant is likely to be associated with disease. Other variant(s) affecting this codon has been determined to be likely pathogenic (example: p.Val466Ala). The following publications have been ascertained in the context of this evaluation (PMID: 21990131, 28349652, 22391996, 24500076, 27513191, 23042628). ClinVar contains an entry for this variant (Variation ID: 265097). Based on the evidence outlined above, the variant was classified as pathogenic.

Labcorp Genetics (formerly Invitae), Labcorp
Classification: Pathogenic for Smith-Lemli-Opitz syndrome. Last evaluated: 2024-06-25. Review status: criteria provided, single submitter. Criteria: Invitae Variant Classification Sherloc (09022015). Collection method: clinical testing. Allele origin: germline.
Comment: This sequence change replaces valine, which is neutral and non-polar, with methionine, which is neutral and non-polar, at codon 466 of the DHCR7 protein (p.Val466Met). This variant is present in population databases (rs760428437, gnomAD 0.003%). This missense change has been observed in individual(s) with Smith-Lemli-Opitz syndrome (PMID: 21990131, 22391996, 23042628; Invitae). In at least one individual the data is consistent with being in trans (on the opposite chromosome) from a pathogenic variant. ClinVar contains an entry for this variant (Variation ID: 265097). Advanced modeling of protein sequence and biophysical properties (such as structural, functional, and spatial information, amino acid conservation, physicochemical variation, residue mobility, and thermodynamic stability) performed at Invitae indicates that this missense variant is expected to disrupt DHCR7 protein function with a positive predictive value of 95%. For these reasons, this variant has been classified as Pathogenic.

Fulgent Genetics
Classification: Likely pathogenic for Smith-Lemli-Opitz syndrome. Last evaluated: 2018-10-31. Review status: criteria provided, single submitter. Criteria: ACMG Guidelines, 2015. Collection method: clinical testing. Allele origin: unknown.

Counsyl
Classification: Likely pathogenic for Smith-Lemli-Opitz syndrome. Last evaluated: 2018-12-21. Review status: no assertion criteria provided. Collection method: clinical testing. Allele origin: unknown. Not counted in ClinVar's aggregate classification.

Literature cited by the submitters: PubMed 24500076 (cited by 3 submitters); PubMed 16983147 (cited by Natera, Inc. and Counsyl); PubMed 28349652 (cited by Natera, Inc. and Women's Health and Genetics/Laboratory Corporation of America, LabCorp); PubMed 23042628 (cited by Women's Health and Genetics/Laboratory Corporation of America, LabCorp and Labcorp Genetics (formerly Invitae), Labcorp); PubMed 22391996 (cited by Women's Health and Genetics/Laboratory Corporation of America, LabCorp and Labcorp Genetics (formerly Invitae), Labcorp); PubMed 21990131 (cited by 3 submitters); PubMed 27513191 (cited by Women's Health and Genetics/Laboratory Corporation of America, LabCorp).

NM_001360.3(DHCR7):c.1396G>A (p.Val466Met)

Gene: DHCR7 (7-dehydrocholesterol reductase; minus strand). Cytogenetic location: 11q13.4.
Variant type: single nucleotide variant.
Coding change: c.1396G>A on transcript NM_001360.3 (MANE Select); coding-DNA position 1396, G replaced by A.
Protein change: p.Val466Met; replaces valine 466 with methionine.
Molecular consequence: missense variant.
Genome position (GRCh38, 1-based): chr11:71,435,407, C>T on the plus strand (G>A on the coding strand, the complement: DHCR7 is on the minus strand). VCF-style: chr11-71435407-C-T. GRCh37 (hg19) VCF-style: chr11-71146453-C-T.
Other names: c.1396G>A, p.Val466Met (NM_001163817.2); short protein forms V466M.
Identifiers: ClinVar variation 265097 (VCV000265097.23), dbSNP rs760428437, ClinGen allele CA6162239.
Genomic context (GRCh38, chr11:71,435,407, plus strand): 5'-CCACAGGGCTTCTCCCTAGGGCGTGCCCTTAGAAGATTCCAGGCAGCAGGCGGTAAGGCA[C>T]TGCGGCGGTGTAGCGCTCCCAGTCCCGGCCGTACTTGCTGGCGCAGCGGTGCTCGTCCCG-3'
Protein context (NP_001351.2, residues 456-475): GRDWERYTAA[Val466Met]PYRLLPGIF